The following is an entry in ClinVar:

NM_006073.4(TRDN):c.*3A>T

Gene: TRDN (triadin; minus strand). Cytogenetic location: 6q22.31.
Variant type: single nucleotide variant.
Coding change: c.*3A>T on transcript NM_006073.4 (MANE Select); 3 bases downstream of the stop codon, A replaced by T.
Molecular consequence: 3 prime UTR variant.
Genome position (GRCh38, 1-based): chr6:123,218,598, T>A on the plus strand (A>T on the coding strand, the complement: TRDN is on the minus strand). VCF-style: chr6-123218598-T-A. GRCh37 (hg19) VCF-style: chr6-123539743-T-A.
Identifiers: ClinVar variation 5037833 (VCV005037833.1), dbSNP rs1184786384.

ClinVar aggregate classification (germline): Uncertain significance (1 of 4 stars; one submission).

Conditions:
Cardiovascular phenotype. Identifiers: MedGen CN230736.

Submission:

Molecular Diagnostic Laboratory for Inherited Cardiovascular Disease, Montreal Heart Institute
Classification: Uncertain significance for Cardiovascular phenotype. Last evaluated: 2026-09-21. Review status: criteria provided, single submitter. Criteria: ACMG Guidelines, 2015. Collection method: clinical testing. Allele origin: germline. Affected: yes.
Comment: PM2